The following is an entry in ClinVar:

ClinVar aggregate classification (germline): Pathogenic/Likely pathogenic. Review status: criteria provided, multiple submitters, no conflicts (2 of 4 stars). 3 submissions from 3 submitters: Pathogenic (2); Likely pathogenic (1). Last evaluated 2024-05-10.

Conditions:
Autosomal recessive nonsyndromic hearing loss 77. Identifiers: Orphanet 90636, MedGen C2746083, MONDO:0013119, OMIM 613079.

Submissions (3):

Fulgent Genetics
Classification: Likely pathogenic for Autosomal recessive nonsyndromic hearing loss 77. Last evaluated: 2024-05-10. Review status: criteria provided, single submitter. Criteria: ACMG Guidelines, 2015. Collection method: clinical testing. Allele origin: germline.

Labcorp Genetics (formerly Invitae), Labcorp
Classification: Pathogenic. Last evaluated: 2021-10-05. Review status: criteria provided, single submitter. Criteria: Invitae Variant Classification Sherloc (09022015). Collection method: clinical testing. Allele origin: germline.
Comment: For these reasons, this variant has been classified as Pathogenic. ClinVar contains an entry for this variant (Variation ID: 545905). This variant has not been reported in the literature in individuals affected with LOXHD1-related conditions. This variant is not present in population databases (ExAC no frequency). This sequence change creates a premature translational stop signal (p.Arg1562Alafs*34) in the LOXHD1 gene. It is expected to result in an absent or disrupted protein product. Loss-of-function variants in LOXHD1 are known to be pathogenic (PMID: 19732867, 21465660, 25792669).

GeneDx
Classification: Pathogenic. Last evaluated: 2018-12-26. Review status: criteria provided, single submitter. Criteria: GeneDx Variant Classification (06012015). Collection method: clinical testing. Allele origin: germline. Affected: yes.
Comment: The c.4683dupG pathogenic variant in the LOXHD1 gene causes a frameshift starting with codon Arginine 1562, changes this amino acid to an Alanine residue and creates a premature Stop codon at position 34 of the new reading frame, denoted p.Arg1562AlafsX34. This pathogenic variant is predicted to cause loss of normal protein function either through protein truncation or nonsense-mediated mRNA decay. The c.4683dupG variant is not observed in large population cohorts (Lek et al., 2016). This variant is interpreted to be pathogenic.

Literature cited by the submitters: PubMed 19732867 (cited by Labcorp Genetics (formerly Invitae), Labcorp); PubMed 21465660 (cited by Labcorp Genetics (formerly Invitae), Labcorp); PubMed 25792669 (cited by Labcorp Genetics (formerly Invitae), Labcorp).

NM_001384474.1(LOXHD1):c.4683dup (p.Arg1562fs)

Gene: LOXHD1 (lipoxygenase homology PLAT domains 1; minus strand). Cytogenetic location: 18q21.1.
Variant type: Duplication.
Coding change: c.4683dup on transcript NM_001384474.1 (MANE Select); coding-DNA position 4683, one base duplicated (G; older notation c.4683dupG).
Protein change: p.Arg1562fs; shifts the reading frame from arginine 1562.
Molecular consequence: frameshift variant.
Genome position (GRCh38, 1-based): chr18:46,524,765, C duplicated on the plus strand (G on the coding strand, the reverse complement: LOXHD1 is on the minus strand); the first of 3 consecutive C bases (chr18:46,524,765-46,524,767); duplicating any one gives the same sequence. VCF-style (leftmost placement, unchanged base first): chr18-46524764-G-GC. GRCh37 (hg19) VCF-style: chr18-44104727-G-GC.
Other names: c.1350dup, p.Arg451fs (NM_001145472.3); c.1062dup, p.Arg355fs (NM_001308013.2); c.4683dup, p.Arg1562fs (NM_144612.7); c.4683dupG (NM_144612.6); c.4683dup (NM_144612.6); short protein forms R1562fs, R451fs, R355fs.
Identifiers: ClinVar variation 545905 (VCV000545905.9), dbSNP rs1409994676, ClinGen allele CA658824185.
Genomic context (GRCh38, chr18:46,524,764, plus strand): 5'-TCACCTTCTCGTAAAAGAGCCTCTCGAGTCGCCCATCCTCCTTCTTCAGGGAGAGCCAGC[G>GC]CCCGCATAGGAACAGGAACTCGTCCTCGTTGGTGTCATTCCAGATCTCCACCTTCTCCAC-3'